The following is an entry in ClinVar:

NM_177438.3(DICER1):c.2077G>C (p.Val693Leu)

Gene: DICER1 (dicer 1, ribonuclease III; minus strand). Cytogenetic location: 14q32.13.
Variant type: single nucleotide variant.
Coding change: c.2077G>C on transcript NM_177438.3 (MANE Select); coding-DNA position 2077, G replaced by C.
Protein change: p.Val693Leu; replaces valine 693 with leucine.
Molecular consequence: missense variant.
Genome position (GRCh38, 1-based): chr14:95,112,211, C>G on the plus strand (G>C on the coding strand, the complement: DICER1 is on the minus strand). VCF-style: chr14-95112211-C-G. GRCh37 (hg19) VCF-style: chr14-95578548-C-G.
Other names: c.2077G>C, p.Val693Leu (NM_001195573.1, NM_001271282.3, NM_001291628.2 and 1 more transcripts); short protein forms V693L.
Identifiers: ClinVar variation 820666 (VCV000820666.9), dbSNP rs1595393847, ClinGen allele CA390883071.

ClinVar aggregate classification (germline): Uncertain significance. Review status: criteria provided, multiple submitters, no conflicts (2 of 4 stars). 2 submissions from 2 submitters: Uncertain significance (2). Last evaluated 2022-05-10.

Conditions:
DICER1-related tumor predisposition. Also called: DICER1-related pleuropulmonary blastoma cancer predisposition syndrome; DICER1 syndrome. Identifiers: Orphanet 284343, MedGen C3839822, MONDO:0100216.
Hereditary cancer-predisposing syndrome. Also called: Hereditary Cancer Syndrome; Neoplastic Syndromes, Hereditary; Hereditary neoplastic syndrome; Tumor predisposition. Identifiers: Orphanet 140162, MedGen C0027672, MeSH D009386, MONDO:0015356.

Submissions (2):

Labcorp Genetics (formerly Invitae), Labcorp
Classification: Uncertain significance for DICER1-related tumor predisposition. Last evaluated: 2022-05-10. Review status: criteria provided, single submitter. Criteria: Invitae Variant Classification Sherloc (09022015). Collection method: clinical testing. Allele origin: germline.
Comment: This variant is not present in population databases (gnomAD no frequency). This sequence change replaces valine, which is neutral and non-polar, with leucine, which is neutral and non-polar, at codon 693 of the DICER1 protein (p.Val693Leu). This variant has not been reported in the literature in individuals affected with DICER1-related conditions. In summary, the available evidence is currently insufficient to determine the role of this variant in disease. Therefore, it has been classified as a Variant of Uncertain Significance. Algorithms developed to predict the effect of missense changes on protein structure and function (SIFT, PolyPhen-2, Align-GVGD) all suggest that this variant is likely to be tolerated. ClinVar contains an entry for this variant (Variation ID: 820666).

Ambry Genetics
Classification: Uncertain significance for Hereditary cancer-predisposing syndrome. Last evaluated: 2018-10-10. Review status: criteria provided, single submitter. Criteria: Ambry Variant Classification Scheme 2023. Collection method: clinical testing. Allele origin: germline.
Comment: The p.V693L variant (also known as c.2077G>C), located in coding exon 12 of the DICER1 gene, results from a G to C substitution at nucleotide position 2077. The valine at codon 693 is replaced by leucine, an amino acid with highly similar properties. This amino acid position is highly conserved in available vertebrate species. In addition, this alteration is predicted to be tolerated by in silico analysis. Since supporting evidence is limited at this time, the clinical significance of this alteration remains unclear.